The following is an entry in ClinVar:

ClinVar aggregate classification (germline): Uncertain significance. Review status: criteria provided, multiple submitters, no conflicts (2 of 4 stars). 2 submissions from 2 submitters: Uncertain significance (2). Last evaluated 2023-01-25.

Allele frequency attached by ClinVar (database versions not stated): 1000 Genomes Project 30x 0.00031; gnomAD exomes 0.00005 and 0.00028; TOPMed 0.00006; ExAC 0.00018; 1000 Genomes Project 0.00020.
gnomAD v4.1: 76 of 1,551,892 alleles (0.0049%); highest among the groups gnomAD compares: Admixed American, 0.096%; no homozygotes.

Submissions (2):

Ambry Genetics
Classification: Uncertain significance. Last evaluated: 2023-01-25. Review status: criteria provided, single submitter. Criteria: Ambry Variant Classification Scheme 2023. Collection method: clinical testing. Allele origin: germline.

Labcorp Genetics (formerly Invitae), Labcorp
Classification: Uncertain significance. Last evaluated: 2022-10-13. Review status: criteria provided, single submitter. Criteria: Invitae Variant Classification Sherloc (09022015). Collection method: clinical testing. Allele origin: germline.
Comment: This sequence change replaces valine, which is neutral and non-polar, with methionine, which is neutral and non-polar, at codon 307 of the KPNA7 protein (p.Val307Met). This variant is present in population databases (rs149883499, gnomAD 0.1%). This variant has not been reported in the literature in individuals affected with KPNA7-related conditions. ClinVar contains an entry for this variant (Variation ID: 944336). Advanced modeling of protein sequence and biophysical properties (such as structural, functional, and spatial information, amino acid conservation, physicochemical variation, residue mobility, and thermodynamic stability) performed at Invitae indicates that this missense variant is not expected to disrupt KPNA7 protein function. In summary, the available evidence is currently insufficient to determine the role of this variant in disease. Therefore, it has been classified as a Variant of Uncertain Significance.

NM_001145715.3(KPNA7):c.919G>A (p.Val307Met)

Gene: KPNA7 (karyopherin subunit alpha 7; minus strand). Cytogenetic location: 7q22.1.
Variant type: single nucleotide variant.
Coding change: c.919G>A on transcript NM_001145715.3 (MANE Select); coding-DNA position 919, G replaced by A.
Protein change: p.Val307Met; replaces valine 307 with methionine.
Molecular consequence: missense variant.
Genome position (GRCh38, 1-based): chr7:99,185,144, C>T on the plus strand (G>A on the coding strand, the complement: KPNA7 is on the minus strand). VCF-style: chr7-99185144-C-T. GRCh37 (hg19) VCF-style: chr7-98782767-C-T.
Other names: short protein forms V307M.
Identifiers: ClinVar variation 944336 (VCV000944336.7), dbSNP rs149883499, ClinGen allele CA4363160.